The following is an entry in ClinVar:

NM_020693.4(DSCAML1):c.3322G>A (p.Val1108Ile)

Gene: DSCAML1 (DS cell adhesion molecule like 1; minus strand). Cytogenetic location: 11q23.3.
Variant type: single nucleotide variant.
Coding change: c.3322G>A on transcript NM_020693.4 (MANE Select); coding-DNA position 3322, G replaced by A.
Protein change: p.Val1108Ile; replaces valine 1108 with isoleucine.
Molecular consequence: missense variant.
Genome position (GRCh38, 1-based): chr11:117,461,540, C>T on the plus strand (G>A on the coding strand, the complement: DSCAML1 is on the minus strand). VCF-style: chr11-117461540-C-T. GRCh37 (hg19) VCF-style: chr11-117332256-C-T.
Other names: c.3502G>A (NM_020693.2); short protein forms V1108I.
Identifiers: ClinVar variation 1363511 (VCV001363511.7), dbSNP rs778157183, ClinGen allele CA6296731.

ClinVar aggregate classification (germline): Uncertain significance. Review status: criteria provided, multiple submitters, no conflicts (2 of 4 stars). 2 submissions from 2 submitters: Uncertain significance (2). Last evaluated 2025-11-05.

Allele frequency attached by ClinVar (database versions not stated): gnomAD exomes 0.00004 and 0.00009; gnomAD 0.00005; ExAC 0.00006; TOPMed 0.00010.
gnomAD v4.1: 69 of 1,613,986 alleles (0.0043%); highest among the groups gnomAD compares: Middle Eastern, 0.033%; 1 homozygote.

Submissions (2):

Ambry Genetics
Classification: Uncertain significance. Last evaluated: 2025-11-05. Review status: criteria provided, single submitter. Criteria: Ambry Variant Classification Scheme 2023. Collection method: clinical testing. Allele origin: germline.

Labcorp Genetics (formerly Invitae), Labcorp
Classification: Uncertain significance. Last evaluated: 2024-11-19. Review status: criteria provided, single submitter. Criteria: Invitae Variant Classification Sherloc (09022015). Collection method: clinical testing. Allele origin: germline.
Comment: This sequence change replaces valine, which is neutral and non-polar, with isoleucine, which is neutral and non-polar, at codon 1168 of the DSCAML1 protein (p.Val1168Ile). This variant is present in population databases (rs778157183, gnomAD 0.03%). This variant has not been reported in the literature in individuals affected with DSCAML1-related conditions. ClinVar contains an entry for this variant (Variation ID: 1363511). An algorithm developed to predict the effect of missense changes on protein structure and function (PolyPhen-2) suggests that this variant is likely to be tolerated. In summary, the available evidence is currently insufficient to determine the role of this variant in disease. Therefore, it has been classified as a Variant of Uncertain Significance.